The following is an entry in ClinVar:

ClinVar aggregate classification (germline): Benign. Review status: criteria provided, multiple submitters, no conflicts (2 of 4 stars). 4 submissions from 4 submitters: Benign (3). 1 of the submissions does not count toward it. Last evaluated 2026-01-27.

Conditions:
COL13A1-related disorder. Also called: COL13A1-related condition.

Allele frequency attached by ClinVar (database versions not stated): 1000 Genomes Project 30x 0.00047; gnomAD exomes 0.00051; ExAC 0.00059; 1000 Genomes Project 0.00060; gnomAD 0.00186 and 0.00202; TOPMed 0.00227; ESP Exome Variant Server 0.00229.
gnomAD v4.1: 577 of 1,613,450 alleles (0.036%); highest among the groups gnomAD compares: African/African-American, 0.71%; 7 homozygotes.

Submissions (4):

Labcorp Genetics (formerly Invitae), Labcorp
Classification: Benign. Last evaluated: 2026-01-27. Review status: criteria provided, single submitter. Criteria: Invitae Variant Classification Sherloc (09022015). Collection method: clinical testing. Allele origin: germline.

Mayo Clinic Laboratories, Mayo Clinic
Classification: Benign. Last evaluated: 2024-12-30. Review status: criteria provided, single submitter. Criteria: ACMG Guidelines, 2015. Collection method: clinical testing. Allele origin: germline. Observed: 1 variant allele.
Comment: BA1, BP4, BP7

Breakthrough Genomics
Classification: Benign. Review status: criteria provided, single submitter. Criteria: ACMG Guidelines, 2015. Collection method: not provided. Allele origin: germline. Inheritance: Autosomal recessive inheritance. Affected: yes.

PreventionGenetics, part of Exact Sciences
Classification: Benign for COL13A1-related condition. Last evaluated: 2019-12-09. Review status: no assertion criteria provided. Collection method: clinical testing. Allele origin: germline. Not counted in ClinVar's aggregate classification.
Comment: This variant is classified as benign based on ACMG/AMP sequence variant interpretation guidelines (Richards et al. 2015 PMID: 25741868, with internal and published modifications).

NM_001368882.1(COL13A1):c.237C>A (p.Arg79=)

Gene: COL13A1 (collagen type XIII alpha 1 chain; plus strand). Cytogenetic location: 10q22.1.
Variant type: single nucleotide variant.
Coding change: c.237C>A on transcript NM_001368882.1 (MANE Select); coding-DNA position 237, C replaced by A.
Protein change: p.Arg79=; no amino-acid change (arginine 79 retained).
Molecular consequence: synonymous variant. On other transcripts: 5 prime UTR variant (1).
Genome position (GRCh38, 1-based): chr10:69,802,660, C>A. VCF-style: chr10-69802660-C-A. GRCh37 (hg19) VCF-style: chr10-71562416-C-A.
Other names: p.Arg79=; c.237C>A, p.Arg79= (NM_001130103.2, NM_001320951.2, NM_001368883.1 and 11 more transcripts); c.-417C>A (NM_001368886.1).
Identifiers: ClinVar variation 734155 (VCV000734155.14), dbSNP rs202030509, ClinGen allele CA5534008.